The following is an entry in ClinVar:

NM_144658.4(DOCK11):c.749A>G (p.His250Arg)

Gene: DOCK11 (dedicator of cytokinesis 11; plus strand). Cytogenetic location: Xq24.
Variant type: single nucleotide variant.
Coding change: c.749A>G on transcript NM_144658.4 (MANE Select); coding-DNA position 749, A replaced by G.
Protein change: p.His250Arg; replaces histidine 250 with arginine.
Molecular consequence: missense variant.
Genome position (GRCh38, 1-based): chrX:118,566,060, A>G. VCF-style: chrX-118566060-A-G. GRCh37 (hg19) VCF-style: chrX-117700023-A-G.
Other names: c.749A>G (NM_144658.3); short protein forms H250R.
Identifiers: ClinVar variation 2661266 (VCV002661266.25), dbSNP rs200850919, ClinGen allele CA10498785.

ClinVar aggregate classification (germline): Conflicting classifications of pathogenicity. Review status: criteria provided, conflicting classifications (1 of 4 stars). 2 submissions from 2 submitters: Uncertain significance (1); Likely benign (1). Last evaluated 2024-06-10.

Allele frequency attached by ClinVar (database versions not stated): TOPMed 0.00015; ExAC 0.00023; gnomAD 0.00024.
gnomAD v4.1: 202 of 1,209,647 alleles (0.017%); highest among the groups gnomAD compares: Non-Finnish European, 0.021%; no homozygotes.

Submissions (2):

Ambry Genetics
Classification: Uncertain significance. Last evaluated: 2024-06-10. Review status: criteria provided, single submitter. Criteria: Ambry Variant Classification Scheme 2023. Collection method: clinical testing. Allele origin: germline.

CeGaT Center for Human Genetics Tuebingen
Classification: Likely benign. Last evaluated: 2023-04-01. Review status: criteria provided, single submitter. Criteria: CeGaT Center For Human Genetics Tuebingen Variant Classification Criteria Version 2. Collection method: clinical testing. Allele origin: germline. Affected: yes. Observed: 1 variant allele.
Comment: DOCK11: BS2